The following is an entry in ClinVar:

ClinVar aggregate classification (germline): Pathogenic (1 of 4 stars; one submission).

Conditions:
Duchenne muscular dystrophy (DMD). Also called: Duchenne Muscular Dystrophy (DMD); MUSCULAR DYSTROPHY, PSEUDOHYPERTROPHIC PROGRESSIVE, DUCHENNE TYPE. Identifiers: Orphanet 98896, MedGen C0013264, MONDO:0010679, OMIM 310200.

Submission:

Labcorp Genetics (formerly Invitae), Labcorp
Classification: Pathogenic for Duchenne muscular dystrophy. Last evaluated: 2023-05-23. Review status: criteria provided, single submitter. Criteria: Invitae Variant Classification Sherloc (09022015). Collection method: clinical testing. Allele origin: germline.
Comment: This sequence change creates a premature translational stop signal (p.Trp3284*) in the DMD gene. It is expected to result in an absent or disrupted protein product. Loss-of-function variants in DMD are known to be pathogenic (PMID: 16770791, 25007885). For these reasons, this variant has been classified as Pathogenic. ClinVar contains an entry for this variant (Variation ID: 858516). A different variant (c.9851G>A) giving rise to the same protein effect has been determined to be pathogenic (PMID: 18652600). This suggests that this variant is also likely to be causative of disease. This variant is not present in population databases (gnomAD no frequency).

Literature cited by the submitters: PubMed 16770791; PubMed 25007885; PubMed 18652600.

NM_004006.3(DMD):c.9852G>A (p.Trp3284Ter)

Gene: DMD (dystrophin; minus strand). Cytogenetic location: Xp21.2.
Variant type: single nucleotide variant.
Coding change: c.9852G>A on transcript NM_004006.3 (MANE Select); coding-DNA position 9852, G replaced by A.
Protein change: p.Trp3284Ter; replaces tryptophan 3284 with a stop codon.
Molecular consequence: nonsense.
Genome position (GRCh38, 1-based): chrX:31,182,860, C>T on the plus strand (G>A on the coding strand, the complement: DMD is on the minus strand). VCF-style: chrX-31182860-C-T. GRCh37 (hg19) VCF-style: chrX-31200977-C-T.
Other names: c.5820G>A, p.Trp1940Ter (NM_004012.4); c.2472G>A, p.Trp824Ter (NM_004013.3, NM_004020.4, NM_004021.3 and 2 more transcripts); c.1665G>A, p.Trp555Ter (NM_004014.3); c.648G>A, p.Trp216Ter (NM_004015.3, NM_004016.3, NM_004017.3 and 2 more transcripts); c.9828G>A, p.Trp3276Ter (NM_000109.4); c.9840G>A, p.Trp3280Ter (NM_004009.3); c.9483G>A, p.Trp3161Ter (NM_004010.3); c.5829G>A, p.Trp1943Ter (NM_004011.4); short protein forms W1943*, W216*, W3276*, W3161*, W555*, W824*, W1940*, W3280*.
Identifiers: ClinVar variation 858516 (VCV000858516.12), dbSNP rs2041309291, ClinGen allele CA412653534.
Genomic context (GRCh38, chrX:31,182,860, plus strand): 5'-TGCAGCAGCCACTCTGTGCAGGACGGGCAGCCACACCATGGACTGGGGTTCCAGTCTCAT[C>T]CAGTCTAGGAAGAGGGCCGCTTCGATCTCTGGCTTATTATTAGCCTGCAAAGACAGGAGG-3'